The following is an entry in ClinVar:

ClinVar aggregate classification (germline): Likely benign (1 of 4 stars; one submission).

gnomAD v4.1: 233 of 1,613,876 alleles (0.014%); highest among the groups gnomAD compares: Non-Finnish European, 0.019%; no homozygotes.

Submission:

CeGaT Center for Human Genetics Tuebingen
Classification: Likely benign. Last evaluated: 2025-08-01. Review status: criteria provided, single submitter. Criteria: CeGaT Center For Human Genetics Tuebingen Variant Classification Criteria Version 2. Collection method: clinical testing. Allele origin: germline. Affected: yes. Observed: 1 variant allele.
Comment: ASPH: BP4, BP7

NM_004318.4(ASPH):c.2034G>A (p.Pro678=)

Gene: ASPH (aspartate beta-hydroxylase; minus strand). Cytogenetic location: 8q12.3.
Variant type: single nucleotide variant.
Coding change: c.2034G>A on transcript NM_004318.4 (MANE Select); coding-DNA position 2034, G replaced by A.
Protein change: p.Pro678=; no amino-acid change (proline 678 retained).
Molecular consequence: synonymous variant. On other transcripts: intron variant (4).
Genome position (GRCh38, 1-based): chr8:61,517,620, C>T on the plus strand (G>A on the coding strand, the complement: ASPH is on the minus strand). VCF-style: chr8-61517620-C-T. GRCh37 (hg19) VCF-style: chr8-62430179-C-T.
Other names: c.1947G>A, p.Pro649= (NM_001164750.2, NM_001413864.1, NM_001413865.1 and 1 more transcripts); c.2034G>A, p.Pro678= (NM_001413844.1, NM_001413849.1); c.2079G>A, p.Pro693= (NM_001413845.1); c.2076G>A, p.Pro692= (NM_001413846.1); c.1977G>A, p.Pro659= (NM_001413847.1, NM_001413860.1); c.2037G>A, p.Pro679= (NM_001413848.1); c.2031G>A, p.Pro677= (NM_001413850.1, NM_001413851.1); c.2022G>A, p.Pro674= (NM_001413852.1); and 37 more.
Identifiers: ClinVar variation 4084856 (VCV004084856.8).